The following is an entry in ClinVar:

NM_001312673.2(PCYT1A):c.977G>T (p.Arg326Leu)

Gene: PCYT1A (phosphate cytidylyltransferase 1A, choline; minus strand). Cytogenetic location: 3q29.
Variant type: single nucleotide variant.
Coding change: c.977G>T on transcript NM_001312673.2 (MANE Select); coding-DNA position 977, G replaced by T.
Protein change: p.Arg326Leu; replaces arginine 326 with leucine.
Molecular consequence: missense variant.
Genome position (GRCh38, 1-based): chr3:196,238,815, C>A on the plus strand (G>T on the coding strand, the complement: PCYT1A is on the minus strand). VCF-style: chr3-196238815-C-A. GRCh37 (hg19) VCF-style: chr3-195965686-C-A.
Other names: c.977G>T, p.Arg326Leu (NM_005017.4); short protein forms R326L.
Identifiers: ClinVar variation 2061140 (VCV002061140.3), dbSNP rs549056100, ClinGen allele CA355607914.

ClinVar aggregate classification (germline): Uncertain significance (1 of 4 stars; one submission).

gnomAD v4.1: 3 of 1,573,388 alleles (0.00019%); highest among the groups gnomAD compares: South Asian, 0.0012%; no homozygotes.

Submission:

Labcorp Genetics (formerly Invitae), Labcorp
Classification: Uncertain significance. Last evaluated: 2023-06-26. Review status: criteria provided, single submitter. Criteria: Invitae Variant Classification Sherloc (09022015). Collection method: clinical testing. Allele origin: germline.
Comment: In summary, the available evidence is currently insufficient to determine the role of this variant in disease. Therefore, it has been classified as a Variant of Uncertain Significance. Advanced modeling of protein sequence and biophysical properties (such as structural, functional, and spatial information, amino acid conservation, physicochemical variation, residue mobility, and thermodynamic stability) performed at Invitae indicates that this missense variant is not expected to disrupt PCYT1A protein function. ClinVar contains an entry for this variant (Variation ID: 2061140). This variant has not been reported in the literature in individuals affected with PCYT1A-related conditions. This variant is not present in population databases (gnomAD no frequency). This sequence change replaces arginine, which is basic and polar, with leucine, which is neutral and non-polar, at codon 326 of the PCYT1A protein (p.Arg326Leu).